The following is an entry in ClinVar:

NM_000214.3(JAG1):c.3505C>T (p.Arg1169Trp)

Gene: JAG1 (jagged canonical Notch ligand 1; minus strand). Cytogenetic location: 20p12.2.
Variant type: single nucleotide variant.
Coding change: c.3505C>T on transcript NM_000214.3 (MANE Select); coding-DNA position 3505, C replaced by T.
Protein change: p.Arg1169Trp; replaces arginine 1169 with tryptophan.
Molecular consequence: missense variant.
Genome position (GRCh38, 1-based): chr20:10,639,650, G>A on the plus strand (C>T on the coding strand, the complement: JAG1 is on the minus strand). VCF-style: chr20-10639650-G-A. GRCh37 (hg19) VCF-style: chr20-10620298-G-A.
Other names: c.3505C>T (NM_000214.2); short protein forms R1169W.
Identifiers: ClinVar variation 2197544 (VCV002197544.5), dbSNP rs368162343, ClinGen allele CA408242702.
Genomic context (GRCh38, chr20:10,639,650, plus strand): 5'-TGCCGTTGGGGGGCTTCTCTTCTCTGTCTACCAGCGTGTACGCCGGCTGCTTGGCAAACC[G>A]GGCTTTCTGCTGGTGTTTGTCCATGTCGTCCTCTTCTACTTCAGAATTGTGTGTCCTTAT-3'
Protein context (NP_000205.1, residues 1159-1179): DDMDKHQQKA[Arg1169Trp]FAKQPAYTLV

ClinVar aggregate classification (germline): Conflicting classifications of pathogenicity. Review status: criteria provided, conflicting classifications (1 of 4 stars). 2 submissions from 2 submitters: Uncertain significance (1); Likely benign (1). Last evaluated 2024-02-05.

Conditions:
Alagille syndrome due to a JAG1 point mutation. Also called: HEPATIC DUCTULAR HYPOPLASIA, SYNDROMATIC; JAG1-Related Alagille Syndrome; Alagille Syndrome 1. Identifiers: Orphanet 261619, Orphanet 52, MedGen C1956125, MONDO:0016862, OMIM 118450.
Cardiovascular phenotype. Identifiers: MedGen CN230736.

gnomAD v4.1: 9 of 1,614,052 alleles (0.00056%); highest among the groups gnomAD compares: South Asian, 0.0022%; no homozygotes.

Submissions (2):

Ambry Genetics
Classification: Uncertain significance for Cardiovascular phenotype. Last evaluated: 2024-02-05. Review status: criteria provided, single submitter. Criteria: Ambry Variant Classification Scheme 2023. Collection method: clinical testing. Allele origin: germline.
Comment: The p.R1169W variant (also known as c.3505C>T), located in coding exon 26 of the JAG1 gene, results from a C to T substitution at nucleotide position 3505. The arginine at codon 1169 is replaced by tryptophan, an amino acid with dissimilar properties. This amino acid position is conserved. In addition, this alteration is predicted to be deleterious by in silico analysis. Based on the available evidence, the clinical significance of this alteration remains unclear.

Labcorp Genetics (formerly Invitae), Labcorp
Classification: Likely benign for Alagille syndrome due to a JAG1 point mutation. Last evaluated: 2024-01-15. Review status: criteria provided, single submitter. Criteria: Invitae Variant Classification Sherloc (09022015). Collection method: clinical testing. Allele origin: germline.